The following is an entry in ClinVar:

NM_000264.5(PTCH1):c.2866A>G (p.Met956Val)

Gene: PTCH1 (patched 1; minus strand). Cytogenetic location: 9q22.32.
Variant type: single nucleotide variant.
Coding change: c.2866A>G on transcript NM_000264.5 (MANE Select); coding-DNA position 2866, A replaced by G.
Protein change: p.Met956Val; replaces methionine 956 with valine.
Molecular consequence: missense variant. On other transcripts: non-coding transcript variant (1).
Genome position (GRCh38, 1-based): chr9:95,459,621, T>C on the plus strand (A>G on the coding strand, the complement: PTCH1 is on the minus strand). VCF-style: chr9-95459621-T-C. GRCh37 (hg19) VCF-style: chr9-98221903-T-C.
Other names: c.2866A>G (NM_000264.4); c.2668A>G, p.Met890Val (NM_001083602.3); c.2863A>G, p.Met955Val (NM_001083603.3); c.2413A>G, p.Met805Val (NM_001083604.3, NM_001083605.3, NM_001083606.3 and 1 more transcripts); c.2710A>G, p.Met904Val (NM_001354918.2); short protein forms M890V, M956V, M805V, M904V, M955V.
Identifiers: ClinVar variation 135885 (VCV000135885.20), dbSNP rs587780699, ClinGen allele CA332515.
Genomic context (GRCh38, chr9:95,459,621, plus strand): 5'-TCTGTAAGTTCCCAGACCTCCCGATAAAACGCTACTTACTTCTCAGCCTTGTTTCAGGCA[T>C]GTAGTCGGCTTTGTCGTGGACCCATTCTGGTCGGTGTGGCCGGATGTTGGCCTGGGAGGC-3'
Protein context (NP_000255.2, residues 946-966): PEWVHDKADY[Met956Val]PETRLRIPAA

ClinVar aggregate classification (germline): Conflicting classifications of pathogenicity. Review status: criteria provided, conflicting classifications (1 of 4 stars). 5 submissions from 5 submitters: Uncertain significance (2); Likely benign (3). Last evaluated 2026-02-03.

Conditions:
Hereditary cancer-predisposing syndrome. Also called: Neoplastic Syndromes, Hereditary; Tumor predisposition; Hereditary Cancer Syndrome; Hereditary neoplastic syndrome. Identifiers: Orphanet 140162, MedGen C0027672, MeSH D009386, MONDO:0015356.
Gorlin syndrome. Also called: Nevoid Basal Cell Carcinoma Syndrome; Basal cell nevus syndrome. Identifiers: Orphanet 377, MedGen C0004779, MONDO:0007187.
PTCH1-related disorder. Also called: PTCH1-related disorders; PTCH1-related condition.

Allele frequency attached by ClinVar (database versions not stated): gnomAD exomes 0.00001 and 0.00008; gnomAD 0.00003 and 0.00004; TOPMed 0.00003.
gnomAD v4.1: 114 of 1,613,862 alleles (0.0071%); highest among the groups gnomAD compares: Non-Finnish European, 0.0094%; no homozygotes.

Submissions (5):

PreventionGenetics, part of Exact Sciences
Classification: Likely benign for PTCH1-related condition. Last evaluated: 2026-02-03. Review status: criteria provided, single submitter. Criteria: ACMG Guidelines, 2015. Collection method: clinical testing. Allele origin: germline.
Comment: This variant is classified as likely benign based on ACMG/AMP sequence variant interpretation guidelines (Richards et al. 2015 PMID: 25741868, with internal and published modifications).

Labcorp Genetics (formerly Invitae), Labcorp
Classification: Likely benign for Gorlin syndrome. Last evaluated: 2026-01-20. Review status: criteria provided, single submitter. Criteria: Invitae Variant Classification Sherloc (09022015). Collection method: clinical testing. Allele origin: germline.

Quest Diagnostics Nichols Institute San Juan Capistrano
Classification: Uncertain significance. Last evaluated: 2025-06-04. Review status: criteria provided, single submitter. Criteria: Quest Diagnostics criteria. Collection method: clinical testing. Allele origin: unknown.
Comment: The PTCH1 c.2866A>G (p.Met956Val) variant has not been reported in individuals with PTCH1-related conditions in the published literature. The frequency of this variant in the general population (Genome Aggregation Database) is uninformative in the assessment of its pathogenicity. Analysis of this variant using bioinformatics tools for the prediction of the effect of amino acid changes on protein structure and function yielded predictions that this variant is benign. Based on the available information, we are unable to determine the clinical significance of this variant.

St. Jude Molecular Pathology, St. Jude Children's Research Hospital
Classification: Uncertain significance for Basal cell nevus syndrome 1. Last evaluated: 2022-03-17. Review status: criteria provided, single submitter. Criteria: St. Jude Assertion Criteria 2020. Collection method: clinical testing. Allele origin: germline.
Comment: The PTCH1 c.2866A>G (p.Met956Val) missense change has a maximum subpopulation frequency of 0.0029% in gnomAD v2.1.1 (PM2_supporting ). Five of seven in silico tools predict a benign effect of this variant on protein function (BP4), but these predictions have not been confirmed by functional studies. To our knowledge, this variant has not been reported in individuals with Gorlin syndrome. In summary, this variant meets criteria to be classified as of uncertain significance based on the ACMG/AMP criteria: PM2_supporting, BP4.

Ambry Genetics
Classification: Likely benign for Hereditary cancer-predisposing syndrome. Last evaluated: 2020-11-24. Review status: criteria provided, single submitter. Criteria: Ambry Variant Classification Scheme 2023. Collection method: clinical testing. Allele origin: germline.